The following is an entry in ClinVar:

NM_020631.6(PLEKHG5):c.919G>A (p.Glu307Lys)

Gene: PLEKHG5 (pleckstrin homology and RhoGEF domain containing G5; minus strand). Cytogenetic location: 1p36.31.
Variant type: single nucleotide variant.
Coding change: c.919G>A on transcript NM_020631.6 (MANE Select); coding-DNA position 919, G replaced by A.
Protein change: p.Glu307Lys; replaces glutamic acid 307 with lysine.
Molecular consequence: missense variant.
Genome position (GRCh38, 1-based): chr1:6,473,051, C>T on the plus strand (G>A on the coding strand, the complement: PLEKHG5 is on the minus strand). VCF-style: chr1-6473051-C-T. GRCh37 (hg19) VCF-style: chr1-6533111-C-T.
Other names: c.1030G>A, p.Glu344Lys (NM_001042663.3, NM_001265592.2); c.919G>A, p.Glu307Lys (NM_001042664.2, NM_001042665.2, NM_001265594.3 and 1 more transcripts); c.1126G>A, p.Glu376Lys (NM_001265593.2); short protein forms E307K, E344K, E376K.
Identifiers: ClinVar variation 1010240 (VCV001010240.6), dbSNP rs148745591, ClinGen allele CA561709.
Genomic context (GRCh38, chr1:6,473,051, plus strand): 5'-GCCCATCAATGAGCTCCCGCCAGCTGTCCTCCAGCCTCAGGCAGGCATTGTCCTCATCCT[C>T]GTCTTCATCGTACTCCTCCTCCCAGGAGTCATGGTCGAAGCGCAGCCCCCGGGGCAGCCT-3'
Protein context (NP_065682.2, residues 297-317): DSWEEEYDED[Glu307Lys]DEDNACLRLE

ClinVar aggregate classification (germline): Uncertain significance (1 of 4 stars; one submission).

Conditions:
Charcot-Marie-Tooth disease recessive intermediate C. Also called: CHARCOT-MARIE-TOOTH NEUROPATHY, RECESSIVE INTERMEDIATE C. Identifiers: Orphanet 369867, MedGen C3809309, MONDO:0014154, OMIM 615376.
Neuronopathy, distal hereditary motor, autosomal recessive 4. Also called: Autosomal recessive lower motor neuron disease with childhood onset; NEUROPATHY, DISTAL HEREDITARY MOTOR, AUTOSOMAL RECESSIVE 4. Identifiers: Orphanet 206580, MedGen C1970211, MONDO:0012608, OMIM 611067.

Allele frequency attached by ClinVar (database versions not stated): gnomAD 0.00001; gnomAD exomes 0.00001; TOPMed 0.00001; ExAC 0.00002; ESP Exome Variant Server 0.00008.
gnomAD v4.1: 34 of 1,613,814 alleles (0.0021%); highest among the groups gnomAD compares: East Asian, 0.0067%; no homozygotes.

Submission:

Labcorp Genetics (formerly Invitae), Labcorp
Classification: Uncertain significance for Neuronopathy, distal hereditary motor, autosomal recessive 4; Charcot-Marie-Tooth disease recessive intermediate C. Last evaluated: 2025-01-06. Review status: criteria provided, single submitter. Criteria: Invitae Variant Classification Sherloc (09022015). Collection method: clinical testing. Allele origin: germline.
Comment: This sequence change replaces glutamic acid, which is acidic and polar, with lysine, which is basic and polar, at codon 307 of the PLEKHG5 protein (p.Glu307Lys). This variant is present in population databases (rs148745591, gnomAD 0.006%). This variant has not been reported in the literature in individuals affected with PLEKHG5-related conditions. ClinVar contains an entry for this variant (Variation ID: 1010240). An algorithm developed to predict the effect of missense changes on protein structure and function (PolyPhen-2) suggests that this variant is likely to be disruptive. In summary, the available evidence is currently insufficient to determine the role of this variant in disease. Therefore, it has been classified as a Variant of Uncertain Significance.